The following is an entry in ClinVar:

ClinVar aggregate classification (germline): Uncertain significance. Review status: criteria provided, multiple submitters, no conflicts (2 of 4 stars). 2 submissions from 2 submitters: Uncertain significance (2). Last evaluated 2023-07-18.

Conditions:
Hereditary cancer-predisposing syndrome. Also called: Tumor predisposition; Hereditary Cancer Syndrome; Hereditary neoplastic syndrome; Neoplastic Syndromes, Hereditary. Identifiers: Orphanet 140162, MedGen C0027672, MeSH D009386, MONDO:0015356.
POLD1-related polyposis and colorectal cancer syndrome (CRCS10). Also called: Colorectal cancer 10; COLORECTAL CANCER, SUSCEPTIBILITY TO, ON CHROMOSOME 19q; Colorectal cancer, susceptibility to, 10. Identifiers: Orphanet 220460, MedGen C2675481, MONDO:0012953, OMIM 612591.

gnomAD v4.1: 1 of 1,614,030 alleles (0.000062%); no homozygotes.

Submissions (2):

Ambry Genetics
Classification: Uncertain significance for Hereditary cancer-predisposing syndrome. Last evaluated: 2023-07-18. Review status: criteria provided, single submitter. Criteria: Ambry Variant Classification Scheme 2023. Collection method: clinical testing. Allele origin: germline.
Comment: The p.S434F variant (also known as c.1301C>T), located in coding exon 10 of the POLD1 gene, results from a C to T substitution at nucleotide position 1301. The serine at codon 434 is replaced by phenylalanine, an amino acid with highly dissimilar properties. This amino acid position is well conserved in available vertebrate species. In addition, this alteration is predicted to be tolerated by in silico analysis. Since supporting evidence is limited at this time, the clinical significance of this alteration remains unclear.

Labcorp Genetics (formerly Invitae), Labcorp
Classification: Uncertain significance for POLD1-related polyposis and colorectal cancer syndrome. Last evaluated: 2022-06-13. Review status: criteria provided, single submitter. Criteria: Invitae Variant Classification Sherloc (09022015). Collection method: clinical testing. Allele origin: germline.
Comment: Algorithms developed to predict the effect of missense changes on protein structure and function are either unavailable or do not agree on the potential impact of this missense change (SIFT: "Deleterious"; PolyPhen-2: "Possibly Damaging"; Align-GVGD: "Class C0"). ClinVar contains an entry for this variant (Variation ID: 1006251). This variant has not been reported in the literature in individuals affected with POLD1-related conditions. This variant is not present in population databases (gnomAD no frequency). This sequence change replaces serine, which is neutral and polar, with phenylalanine, which is neutral and non-polar, at codon 434 of the POLD1 protein (p.Ser434Phe). Algorithms developed to predict the effect of sequence changes on RNA splicing suggest that this variant may create or strengthen a splice site. In summary, the available evidence is currently insufficient to determine the role of this variant in disease. Therefore, it has been classified as a Variant of Uncertain Significance.

NM_002691.4(POLD1):c.1301C>T (p.Ser434Phe)

Gene: POLD1 (DNA polymerase delta 1, catalytic subunit; plus strand). Cytogenetic location: 19q13.33.
Variant type: single nucleotide variant.
Coding change: c.1301C>T on transcript NM_002691.4 (MANE Select); coding-DNA position 1301, C replaced by T.
Protein change: p.Ser434Phe; replaces serine 434 with phenylalanine.
Molecular consequence: missense variant. On other transcripts: non-coding transcript variant (1).
Genome position (GRCh38, 1-based): chr19:50,406,240, C>T. VCF-style: chr19-50406240-C-T. GRCh37 (hg19) VCF-style: chr19-50909497-C-T.
Other names: c.1301C>T, p.Ser434Phe (NM_001256849.1, NM_001308632.1); short protein forms S434F.
Identifiers: ClinVar variation 1006251 (VCV001006251.11), dbSNP rs1060501845, ClinGen allele CA406979826.